The following is an entry in ClinVar:

ClinVar aggregate classification (germline): Pathogenic (1 of 4 stars; one submission).

gnomAD v4.1: 1 of 1,613,934 alleles (0.000062%); highest among the groups gnomAD compares: Non-Finnish European, 0.000085%; no homozygotes.

Submission:

Labcorp Genetics (formerly Invitae), Labcorp
Classification: Pathogenic. Last evaluated: 2023-03-01. Review status: criteria provided, single submitter. Criteria: Invitae Variant Classification Sherloc (09022015). Collection method: clinical testing. Allele origin: germline.
Comment: This sequence change creates a premature translational stop signal (p.Trp231*) in the CNGB3 gene. It is expected to result in an absent or disrupted protein product. Loss-of-function variants in CNGB3 are known to be pathogenic (PMID: 28795510). For these reasons, this variant has been classified as Pathogenic. Algorithms developed to predict the effect of sequence changes on RNA splicing suggest that this variant may disrupt the consensus splice site. ClinVar contains an entry for this variant (Variation ID: 1969518). This variant has not been reported in the literature in individuals affected with CNGB3-related conditions. This variant is not present in population databases (gnomAD no frequency).

Literature cited by the submitters: PubMed 28795510.

NM_019098.5(CNGB3):c.692G>A (p.Trp231Ter)

Gene: CNGB3 (cyclic nucleotide gated channel subunit beta 3; minus strand). Cytogenetic location: 8q21.3.
Variant type: single nucleotide variant.
Coding change: c.692G>A on transcript NM_019098.5 (MANE Select); coding-DNA position 692, G replaced by A.
Protein change: p.Trp231Ter; replaces tryptophan 231 with a stop codon.
Molecular consequence: nonsense.
Genome position (GRCh38, 1-based): chr8:86,667,085, C>T on the plus strand (G>A on the coding strand, the complement: CNGB3 is on the minus strand). VCF-style: chr8-86667085-C-T. GRCh37 (hg19) VCF-style: chr8-87679313-C-T.
Other names: short protein forms W231*.
Identifiers: ClinVar variation 1969518 (VCV001969518.5), dbSNP rs754946422, ClinGen allele CA371449584.